The following is an entry in ClinVar:

NM_000432.4(MYL2):c.218C>A (p.Ala73Asp)

Gene: MYL2 (myosin light chain 2; minus strand). Cytogenetic location: 12q24.11.
Variant type: single nucleotide variant.
Coding change: c.218C>A on transcript NM_000432.4 (MANE Select); coding-DNA position 218, C replaced by A.
Protein change: p.Ala73Asp; replaces alanine 73 with aspartic acid.
Molecular consequence: missense variant.
Genome position (GRCh38, 1-based): chr12:110,914,242, G>T on the plus strand (C>A on the coding strand, the complement: MYL2 is on the minus strand). VCF-style: chr12-110914242-G-T. GRCh37 (hg19) VCF-style: chr12-111352046-G-T.
Other names: short protein forms A73D.
Identifiers: ClinVar variation 1419598 (VCV001419598.7), dbSNP rs2136772253, ClinGen allele CA386698757.

ClinVar aggregate classification (germline): Uncertain significance. Review status: criteria provided, multiple submitters, no conflicts (2 of 4 stars). 2 submissions from 2 submitters: Uncertain significance (2). Last evaluated 2024-03-05.

Conditions:
Hypertrophic cardiomyopathy 10. Also called: MYL2-Related Familial Hypertrophic Cardiomyopathy; CARDIOMYOPATHY, HYPERTROPHIC, MID-LEFT VENTRICULAR CHAMBER TYPE, 2. Identifiers: MedGen C1834460, MONDO:0012112, OMIM 608758.
Hypertrophic cardiomyopathy. Also called: HYPERTROPHIC MYOCARDIOPATHY. Identifiers: Orphanet 217569, MedGen C0007194, MeSH D002312, MONDO:0005045, HP:0001639.

Submissions (2):

All of Us Research Program, National Institutes of Health
Classification: Uncertain significance for Hypertrophic cardiomyopathy. Last evaluated: 2024-03-05. Review status: criteria provided, single submitter. Criteria: ACMG Guidelines, 2015. Collection method: clinical testing. Allele origin: germline. Inheritance: Autosomal dominant inheritance. Observed: 1 variant allele, 1 heterozygote.
Comment: This study involves interpretation of variants in research participants for the purpose of population health screening. Participant phenotype was not available at the time of variant classification. Additional details can be found in publication PMID: 35346344, PMCID: PMC8962531

Labcorp Genetics (formerly Invitae), Labcorp
Classification: Uncertain significance for Hypertrophic cardiomyopathy 10. Last evaluated: 2022-09-01. Review status: criteria provided, single submitter. Criteria: Invitae Variant Classification Sherloc (09022015). Collection method: clinical testing. Allele origin: germline.
Comment: This variant has not been reported in the literature in individuals affected with MYL2-related conditions. This variant is not present in population databases (gnomAD no frequency). This sequence change replaces alanine, which is neutral and non-polar, with aspartic acid, which is acidic and polar, at codon 73 of the MYL2 protein (p.Ala73Asp). In summary, the available evidence is currently insufficient to determine the role of this variant in disease. Therefore, it has been classified as a Variant of Uncertain Significance. Algorithms developed to predict the effect of missense changes on protein structure and function (SIFT, PolyPhen-2, Align-GVGD) all suggest that this variant is likely to be disruptive. ClinVar contains an entry for this variant (Variation ID: 1419598).